The following is an entry in ClinVar:

NM_001009944.3(PKD1):c.8545G>C (p.Ala2849Pro)

Gene: PKD1 (polycystin 1, transient receptor potential channel interacting; minus strand). Cytogenetic location: 16p13.3.
Variant type: single nucleotide variant.
Coding change: c.8545G>C on transcript NM_001009944.3 (MANE Select); coding-DNA position 8545, G replaced by C.
Protein change: p.Ala2849Pro; replaces alanine 2849 with proline.
Molecular consequence: missense variant.
Genome position (GRCh38, 1-based): chr16:2,103,512, C>G on the plus strand (G>C on the coding strand, the complement: PKD1 is on the minus strand). VCF-style: chr16-2103512-C-G. GRCh37 (hg19) VCF-style: chr16-2153513-C-G.
Other names: c.8545G>C, p.Ala2849Pro (NM_000296.4); short protein forms A2849P.
Identifiers: ClinVar variation 3376931 (VCV003376931.1).
Genomic context (GRCh38, chr16:2,103,512, plus strand): 5'-CTGAGGCCAGCCGCTCGATGGGGATCTGGGCGCCGGCCTGTGTCTGGAATGCCATCGAGG[C>G]CACCTTGGTGGAGACGGTGTAGTTGCTGATATAGCCAAAGGGAAAGGGATTGGAGTCCAC-3'
Protein context (NP_001009944.3, residues 2839-2859): ISNYTVSTKV[Ala2849Pro]SMAFQTQAGA

ClinVar aggregate classification (germline): Uncertain significance (1 of 4 stars; one submission).

Conditions:
Polycystic kidney disease, adult type (PKD1). Also called: POLYCYSTIC KIDNEY DISEASE, ADULT, TYPE I; Polycystic Kidney Disease 1, Autosomal Dominant; Polycystic kidney disease 1; Polycystic kidney disease 1, severe; Polycystic Kidney, Autosomal Dominant; POLYCYSTIC KIDNEY DISEASE 1 WITH OR WITHOUT POLYCYSTIC LIVER DISEASE. Identifiers: MedGen C3149841, MONDO:0008263, OMIM 173900.

Submission:

Victorian Clinical Genetics Services, Murdoch Childrens Research Institute
Classification: Uncertain significance for Polycystic kidney disease, adult type. Last evaluated: 2024-10-09. Review status: criteria provided, single submitter. Criteria: ACMG Guidelines, 2015. Collection method: clinical testing. Allele origin: germline. Inheritance: Autosomal dominant inheritance. Affected: yes.
Comment: Based on the classification scheme VCGS_Germline_v1.3.4, this variant is classified as VUS-3B. Following criteria are met: 0102 - Loss of function is a known mechanism of disease in this gene and is associated with polycystic kidney disease 1 (MIM#173900). (I) 0107 - This gene is associated with autosomal dominant disease. Polycystic kidney disease 1 (MIM#173900) is predominantly caused by monoallelic variants, with rare reports of biallelic variants causing disease (OMIM). (I) 0200 - Variant is predicted to result in a missense amino acid change from alanine to proline. (I) 0251 - This variant is heterozygous. (I) 0301 - Variant is absent from gnomAD (both v2 and v3). (SP) 0309 - An alternative amino acid change at the same position has been observed in gnomAD (v2) (7 heterozygotes, 0 homozygotes). (I) 0502 - Missense variant with conflicting in silico predictions and uninformative conservation. (I) 0604 - Variant is not located in an established domain, motif, hotspot or informative constraint region. (I) 0705 - No comparable missense variants have previous evidence for pathogenicity. (I) 0809 - Previous evidence of pathogenicity for this variant is inconclusive. This variant has been observed in an individual with polycystic kidney disease and described as a polymorphism (PMID: 12070253). (I) 0905 - No published segregation evidence has been identified for this variant. (I) 1007 - No published functional evidence has been identified for this variant. (I) 1208 - Inheritance information for this variant is not currently available in this individual. (I) Legend: (SP) - Supporting pathogenic, (I) - Information, (SB) - Supporting benign

Literature cited by the submitters: PubMed 12070253.